The following is an entry in ClinVar:

Conditions:
Breast-ovarian cancer, familial, susceptibility to, 1 (BROVCA1). Also called: BRCA1 Hereditary Breast and Ovarian Cancer; OVARIAN CANCER, SUSCEPTIBILITY TO. Identifiers: Orphanet 145, MedGen C2676676, MONDO:0011450, OMIM 604370. Disease mechanism: loss of function.

Submission:

Brotman Baty Institute, University of Washington
No classification provided (evidence only). Condition: Breast-ovarian cancer, familial 1. Review status: no classification provided. Collection method: in vitro. Allele origin: not applicable. Functional consequence: functionally_normal.
ClinVar note: "not provided" was previously submitted as the classification for the variant. However, the classification appeared to be based only on an observation of functional data so it was converted to no classification on 2025-07-30.

NM_007294.4(BRCA1):c.5385T>A (p.Leu1795=)

Gene: BRCA1 (BRCA1 DNA repair associated; minus strand). Cytogenetic location: 17q21.31.
Variant type: single nucleotide variant.
Coding change: c.5385T>A on transcript NM_007294.4 (MANE Select); coding-DNA position 5385, T replaced by A.
Protein change: p.Leu1795=; no amino-acid change (leucine 1795 retained).
Molecular consequence: synonymous variant. On other transcripts: intron variant (19).
Genome position (GRCh38, 1-based): chr17:43,049,142, A>T on the plus strand (T>A on the coding strand, the complement: BRCA1 is on the minus strand). VCF-style: chr17-43049142-A-T. GRCh37 (hg19) VCF-style: chr17-41201159-A-T.
Other names: c.5172T>A, p.Leu1724= (NM_001407571.1, NM_001407894.1, NM_001407895.1 and 12 more transcripts); c.5451T>A, p.Leu1817= (NM_001407581.1, NM_001407582.1); c.5448T>A, p.Leu1816= (NM_001407583.1, NM_001407585.1, NM_001407587.1 and 1 more transcripts); c.5445T>A, p.Leu1815= (NM_001407590.1, NM_001407591.1); c.5385T>A, p.Leu1795= (NM_001407593.1, NM_001407594.1, NM_001407596.1 and 5 more transcripts); c.5382T>A, p.Leu1794= (NM_001407610.1, NM_001407611.1, NM_001407612.1 and 14 more transcripts); c.5379T>A, p.Leu1793= (NM_001407627.1, NM_001407628.1, NM_001407629.1 and 13 more transcripts); c.5376T>A, p.Leu1792= (NM_001407644.1, NM_001407645.1); and 84 more.
Identifiers: ClinVar variation 868043 (VCV000868043.3), dbSNP rs2051079252, ClinGen allele CA500143289.
Genomic context (GRCh38, chr17:43,049,142, plus strand): 5'-ATTGTGTCCTCCCTCTCTGACAGGGCACCCAATACTTACTGTGCCAAGGGTGAATGATGA[A>T]AGCTCCTTCACCACAGAAGCACCACACAGCTGTACCATCCATTCCAGTTGATCTAAAATG-3'
Protein context (NP_009225.1, residues 1785-1805): QLCGASVVKE[Leu1795=]SSFTLGTGVH